The following is an entry in ClinVar:

NM_020433.5(JPH2):c.1238A>G (p.Asn413Ser)

Gene: JPH2 (junctophilin 2; minus strand). Cytogenetic location: 20q13.12.
Variant type: single nucleotide variant.
Coding change: c.1238A>G on transcript NM_020433.5 (MANE Select); coding-DNA position 1238, A replaced by G.
Protein change: p.Asn413Ser; replaces asparagine 413 with serine.
Molecular consequence: missense variant.
Genome position (GRCh38, 1-based): chr20:44,118,555, T>C on the plus strand (A>G on the coding strand, the complement: JPH2 is on the minus strand). VCF-style: chr20-44118555-T-C. GRCh37 (hg19) VCF-style: chr20-42747195-T-C.
Other names: short protein forms N413S.
Identifiers: ClinVar variation 1390380 (VCV001390380.11), dbSNP rs778937072, ClinGen allele CA314643234.

ClinVar aggregate classification (germline): Conflicting classifications of pathogenicity. Review status: criteria provided, conflicting classifications (1 of 4 stars). 3 submissions from 3 submitters: Uncertain significance (2); Likely benign (1). Last evaluated 2023-07-27.

Conditions:
Hypertrophic cardiomyopathy. Also called: HYPERTROPHIC MYOCARDIOPATHY. Identifiers: Orphanet 217569, MedGen C0007194, MeSH D002312, MONDO:0005045, HP:0001639.
Cardiovascular phenotype. Identifiers: MedGen CN230736.

Allele frequency attached by ClinVar (database versions not stated): gnomAD exomes below 0.00001; gnomAD 0.00001.
gnomAD v4.1: 16 of 1,613,252 alleles (0.00099%); highest among the groups gnomAD compares: Non-Finnish European, 0.0013%; no homozygotes.

Submissions (3):

Ambry Genetics
Classification: Uncertain significance for Cardiovascular phenotype. Last evaluated: 2023-07-27. Review status: criteria provided, single submitter. Criteria: Ambry Variant Classification Scheme 2023. Collection method: clinical testing. Allele origin: germline.
Comment: The p.N413S variant (also known as c.1238A>G), located in coding exon 3 of the JPH2 gene, results from an A to G substitution at nucleotide position 1238. The asparagine at codon 413 is replaced by serine, an amino acid with highly similar properties. This amino acid position is poorly conserved in available vertebrate species. In addition, this alteration is predicted to be tolerated by in silico analysis. Since supporting evidence is limited at this time, the clinical significance of this alteration remains unclear.

Labcorp Genetics (formerly Invitae), Labcorp
Classification: Uncertain significance for Hypertrophic cardiomyopathy. Last evaluated: 2021-05-19. Review status: criteria provided, single submitter. Criteria: Invitae Variant Classification Sherloc (09022015). Collection method: clinical testing. Allele origin: germline.
Comment: This variant is not present in population databases (ExAC no frequency). This sequence change replaces asparagine with serine at codon 413 of the JPH2 protein (p.Asn413Ser). The asparagine residue is weakly conserved and there is a small physicochemical difference between asparagine and serine. In summary, the available evidence is currently insufficient to determine the role of this variant in disease. Therefore, it has been classified as a Variant of Uncertain Significance. Algorithms developed to predict the effect of missense changes on protein structure and function output the following: SIFT: "Tolerated"; PolyPhen-2: "Benign"; Align-GVGD: "Class C0". The serine amino acid residue is found in multiple mammalian species, suggesting that this missense change does not adversely affect protein function. These predictions have not been confirmed by published functional studies and their clinical significance is uncertain. This variant has not been reported in the literature in individuals with JPH2-related conditions.

Blueprint Genetics
Classification: Likely benign. Last evaluated: 2020-02-27. Review status: criteria provided, single submitter. Criteria: ACMG Guidelines, 2015. Collection method: clinical testing. Allele origin: germline.